The following is an entry in ClinVar:

ClinVar aggregate classification (germline): Likely benign (1 of 4 stars; one submission).

Conditions:
Long QT syndrome (LQTS). Identifiers: MedGen C0023976, MeSH D008133, MONDO:0002442. Disease mechanism: loss of function. Inheritance: Various modes of inheritance.

Submission:

All of Us Research Program, National Institutes of Health
Classification: Likely benign for Long QT syndrome. Last evaluated: 2024-02-05. Review status: criteria provided, single submitter. Criteria: ACMG Guidelines, 2015. Collection method: clinical testing. Allele origin: germline. Inheritance: Autosomal dominant inheritance. Observed: 1 variant allele, 1 heterozygote.
Comment: This study involves interpretation of variants in research participants for the purpose of population health screening. Participant phenotype was not available at the time of variant classification. Additional details can be found in publication PMID: 35346344, PMCID: PMC8962531

NM_000238.4(KCNH2):c.2194C>T (p.Leu732=)

Gene: KCNH2 (potassium voltage-gated channel subfamily H member 2; minus strand). Cytogenetic location: 7q36.1.
Variant type: single nucleotide variant.
Coding change: c.2194C>T on transcript NM_000238.4 (MANE Select); coding-DNA position 2194, C replaced by T.
Protein change: p.Leu732=; no amino-acid change (leucine 732 retained).
Molecular consequence: synonymous variant. On other transcripts: non-coding transcript variant (2).
Genome position (GRCh38, 1-based): chr7:150,950,372, G>A on the plus strand (C>T on the coding strand, the complement: KCNH2 is on the minus strand). VCF-style: chr7-150950372-G-A. GRCh37 (hg19) VCF-style: chr7-150647460-G-A.
Other names: c.1174C>T, p.Leu392= (NM_001204798.2, NM_172057.3); c.1906C>T, p.Leu636= (NM_001406753.1, NM_001406756.1); c.2017C>T, p.Leu673= (NM_001406755.1); c.1894C>T, p.Leu632= (NM_001406757.1); c.2194C>T, p.Leu732= (NM_172056.3).
Identifiers: ClinVar variation 3075397 (VCV003075397.1), dbSNP rs2486026885, ClinGen allele CA458871417.
Genomic context (GRCh38, chr7:150,950,372, plus strand): 5'-GAAGGCAGCCCTTGGTGGCCCCTCGGAAGGGTTTGCAGTGCTGCAGCAGTGAGCGGTTCA[G>A]GTGCAGGCAGATGTCAGCCTGCAGGCACTCAGGGAAGCCCTTCAGCACCTGGGGGCAGGG-3'
Protein context (NP_000229.1, residues 722-742): ECLQADICLH[Leu732=]NRSLLQHCKP